The following is an entry in ClinVar:

ClinVar aggregate classification (germline): Uncertain significance. Review status: criteria provided, multiple submitters, no conflicts (2 of 4 stars). 3 submissions from 3 submitters: Uncertain significance (2). 1 of the submissions does not count toward it. Last evaluated 2024-11-19.

Conditions:
FANCL-related disorder. Also called: FANCL-related condition.
Fanconi anemia (FA). Also called: Fanconi's anemia. Identifiers: Orphanet 84, MedGen C0015625, MeSH D005199, MONDO:0019391.
Fanconi anemia complementation group L (FANCL). Also called: FANCL-Related Fanconi Anemia. Identifiers: Orphanet 84, MedGen C3469528, MONDO:0013566, OMIM 614083.

Allele frequency attached by ClinVar (database versions not stated): gnomAD 0.00001; gnomAD exomes 0.00001; TOPMed 0.00001.
gnomAD v4.1: 23 of 1,612,884 alleles (0.0014%); highest among the groups gnomAD compares: Non-Finnish European, 0.0019%; no homozygotes.

Submissions (3):

Labcorp Genetics (formerly Invitae), Labcorp
Classification: Uncertain significance for Fanconi anemia. Last evaluated: 2024-11-19. Review status: criteria provided, single submitter. Criteria: Invitae Variant Classification Sherloc (09022015). Collection method: clinical testing. Allele origin: germline.
Comment: This sequence change replaces valine, which is neutral and non-polar, with glycine, which is neutral and non-polar, at codon 287 of the FANCL protein (p.Val287Gly). This variant is present in population databases (rs61757387, gnomAD 0.003%). This variant has not been reported in the literature in individuals affected with FANCL-related conditions. ClinVar contains an entry for this variant (Variation ID: 956027). Invitae Evidence Modeling of protein sequence and biophysical properties (such as structural, functional, and spatial information, amino acid conservation, physicochemical variation, residue mobility, and thermodynamic stability) indicates that this missense variant is expected to disrupt FANCL protein function with a positive predictive value of 80%. Experimental studies have shown that this missense change affects FANCL function (PMID: 32420600). In summary, the available evidence is currently insufficient to determine the role of this variant in disease. Therefore, it has been classified as a Variant of Uncertain Significance.

Fulgent Genetics
Classification: Uncertain significance for Fanconi anemia complementation group L. Last evaluated: 2022-01-05. Review status: criteria provided, single submitter. Criteria: ACMG Guidelines, 2015. Collection method: clinical testing. Allele origin: unknown.

PreventionGenetics, part of Exact Sciences
Classification: Uncertain significance for FANCL-related condition. Last evaluated: 2023-11-16. Review status: no assertion criteria provided. Collection method: clinical testing. Allele origin: germline. Not counted in ClinVar's aggregate classification.
Comment: The FANCL c.875T>G variant is predicted to result in the amino acid substitution p.Val292Gly. This variant (also known as V287G) has been reported to result in increased protein aggregation (Table 1, Frost and Toth. 2020. PubMed ID: 32420600), but has not been reported in the literature in individuals with a FANCL-related phenotype. This variant is reported in 0.0029% of alleles in individuals of Latino descent in gnomAD. At this time, the clinical significance of this variant is uncertain due to the absence of conclusive functional and genetic evidence.

Literature cited by the submitters: PubMed 32420600 (cited by Labcorp Genetics (formerly Invitae), Labcorp).

NM_018062.4(FANCL):c.860T>G (p.Val287Gly)

Gene: FANCL (FA complementation group L; minus strand). Cytogenetic location: 2p16.1.
Variant type: single nucleotide variant.
Coding change: c.860T>G on transcript NM_018062.4 (MANE Select); coding-DNA position 860, T replaced by G.
Protein change: p.Val287Gly; replaces valine 287 with glycine.
Molecular consequence: missense variant.
Genome position (GRCh38, 1-based): chr2:58,162,909, A>C on the plus strand (T>G on the coding strand, the complement: FANCL is on the minus strand). VCF-style: chr2-58162909-A-C. GRCh37 (hg19) VCF-style: chr2-58390044-A-C.
Other names: c.875T>G, p.Val292Gly (NM_001114636.2); c.905T>G, p.Val302Gly (NM_001374615.1); c.920T>G, p.Val307Gly (NM_001410792.1); short protein forms V287G, V302G, V292G, V307G.
Identifiers: ClinVar variation 956027 (VCV000956027.12), dbSNP rs61757387, ClinGen allele CA48354626.